The following is an entry in ClinVar:

NM_001352514.2(HLCS):c.2057C>G (p.Pro686Arg)

Gene: HLCS (holocarboxylase synthetase; minus strand). Cytogenetic location: 21q22.13.
Variant type: single nucleotide variant.
Coding change: c.2057C>G on transcript NM_001352514.2 (MANE Select); coding-DNA position 2057, C replaced by G.
Protein change: p.Pro686Arg; replaces proline 686 with arginine.
Molecular consequence: missense variant. On other transcripts: non-coding transcript variant (2).
Genome position (GRCh38, 1-based): chr21:36,765,076, G>C on the plus strand (C>G on the coding strand, the complement: HLCS is on the minus strand). VCF-style: chr21-36765076-G-C. GRCh37 (hg19) VCF-style: chr21-38137377-G-C.
Other names: c.1616C>G, p.Pro539Arg (NM_000411.8, NM_001242784.3, NM_001242785.2 and 4 more transcripts); short protein forms P539R, P686R.
Identifiers: ClinVar variation 4820034 (VCV004820034.1).
Genomic context (GRCh38, chr21:36,765,076, plus strand): 5'-TACTCGGGAATGGACCTCACTGCTTCCACGACAGCCACGGACATCAGATGCTGGACAAAC[G>C]GGATCCTCTGTCCCAGCTGGGATCTCAGTGGAATGGAGATGAGCAGAGTAGAAAGAGCAC-3'
Protein context (NP_001339443.1, residues 676-696): PLRSQLGQRI[Pro686Arg]FVQHLMSVAV

ClinVar aggregate classification (germline): Uncertain significance (1 of 4 stars; one submission).

Conditions:
Holocarboxylase synthetase deficiency. Also called: MULTIPLE CARBOXYLASE DEFICIENCY, EARLY ONSET. Identifiers: Orphanet 79242, MedGen C0268581, MONDO:0009666, OMIM 253270.

Submission:

Clinical Laboratory, Heze Municipal Hospital
Classification: Uncertain significance for Holocarboxylase synthetase deficiency. Last evaluated: 2026-04-14. Review status: criteria provided, single submitter. Criteria: ACMG Guidelines, 2015. Collection method: clinical testing. Allele origin: germline. Inheritance: Autosomal recessive inheritance. Affected: yes.
Comment: The NM_000411.8(HLCS):c.1616C>G (p.Pro539Arg) is a missense variant in HLCS which localizes to the critical biotin-binding domain of the holocarboxylase synthetase protein. This variant is absent from the ESP, 1000 Genomes, and ExAC databases, indicating extreme rarity in the general population, consistent with the rarity of holocarboxylase synthetase deficiency (PM2_Sup).In trans with another pathogenic variant in a recessive disorder (compound heterozygote)（PM3).SIFT (Damaging), PolyPhen-2 (Probably damaging), LRT (Damaging), and ClinPred (Damaging) consistently predict a deleterious effect, and the proline-to-arginine substitution is predicted to disrupt protein structure and function (PP3). In summary, the current evidence is insufficient to determine the pathogenicity of this variant, and it is classified as a variant of uncertain significance (VUS) for holocarboxylase synthetase deficiency based on the ACMG/AMP criteria:PM2_Sup, PM3, PP3.